The following is an entry in ClinVar:

NM_003480.4(MFAP5):c.261G>C (p.Glu87Asp)

Gene: MFAP5 (microfibril associated protein 5; minus strand). Cytogenetic location: 12p13.31.
Variant type: single nucleotide variant.
Coding change: c.261G>C on transcript NM_003480.4 (MANE Select); coding-DNA position 261, G replaced by C.
Protein change: p.Glu87Asp; replaces glutamic acid 87 with aspartic acid.
Molecular consequence: missense variant. On other transcripts: non-coding transcript variant (2), intron variant (1).
Genome position (GRCh38, 1-based): chr12:8,650,576, C>G on the plus strand (G>C on the coding strand, the complement: MFAP5 is on the minus strand). VCF-style: chr12-8650576-C-G. GRCh37 (hg19) VCF-style: chr12-8803172-C-G.
Other names: c.231G>C, p.Glu77Asp (NM_001297709.2); c.195G>C, p.Glu65Asp (NM_001297710.2); c.186G>C, p.Glu62Asp (NM_001297711.2); c.218-2373G>C (NM_001297712.2); short protein forms E62D, E65D, E77D, E87D.
Identifiers: ClinVar variation 1793926 (VCV001793926.2), dbSNP rs1023523758, ClinGen allele CA384039152.

ClinVar aggregate classification (germline): Uncertain significance (1 of 4 stars; one submission).

Conditions:
Cardiovascular phenotype. Identifiers: MedGen CN230736.

Allele frequency attached by ClinVar (database versions not stated): gnomAD exomes below 0.00001; TOPMed below 0.00001.
gnomAD v4.1: 1 of 1,613,826 alleles (0.000062%); highest among the groups gnomAD compares: African/African-American, 0.0013%; no homozygotes.

Submission:

Ambry Genetics
Classification: Uncertain significance for Cardiovascular phenotype. Last evaluated: 2021-12-16. Review status: criteria provided, single submitter. Criteria: Ambry Variant Classification Scheme 2023. Collection method: clinical testing. Allele origin: germline.
Comment: The p.E87D variant (also known as c.261G>C), located in coding exon 7 of the MFAP5 gene, results from a G to C substitution at nucleotide position 261. The glutamic acid at codon 87 is replaced by aspartic acid, an amino acid with highly similar properties. This amino acid position is conserved. In addition, the in silico prediction for this alteration is inconclusive. Since supporting evidence is limited at this time, the clinical significance of this alteration remains unclear.